The following is an entry in ClinVar:

NM_022455.5(NSD1):c.2440T>C (p.Cys814Arg)

Gene: NSD1 (nuclear receptor binding SET domain protein 1; plus strand). Cytogenetic location: 5q35.3.
Variant type: single nucleotide variant.
Coding change: c.2440T>C on transcript NM_022455.5 (MANE Select); coding-DNA position 2440, T replaced by C.
Protein change: p.Cys814Arg; replaces cysteine 814 with arginine.
Molecular consequence: missense variant.
Genome position (GRCh38, 1-based): chr5:177,210,839, T>C. VCF-style: chr5-177210839-T-C. GRCh37 (hg19) VCF-style: chr5-176637840-T-C.
Other names: c.1567T>C, p.Cys523Arg (NM_001365684.2, NM_001409306.1, NM_001409307.1 and 3 more transcripts); c.2440T>C, p.Cys814Arg (NM_001409301.1, NM_001409302.1, NM_001409303.1); c.2020T>C, p.Cys674Arg (NM_001409304.1); c.1687T>C, p.Cys563Arg (NM_001409305.1); short protein forms C523R, C563R, C674R, C814R.
Identifiers: ClinVar variation 4755970 (VCV004755970.1).

ClinVar aggregate classification (germline): Uncertain significance (1 of 4 stars; one submission).

gnomAD v4.1: 8 of 1,614,210 alleles (0.0005%); highest among the groups gnomAD compares: Non-Finnish European, 0.00068%; no homozygotes.

Submission:

GeneDx
Classification: Uncertain significance. Last evaluated: 2025-08-04. Review status: criteria provided, single submitter. Criteria: GeneDx Variant Classification Process June 2021. Collection method: clinical testing. Allele origin: germline. Affected: yes.
Comment: Not observed at significant frequency in large population cohorts (gnomAD); In silico analysis suggests that this missense variant does not alter protein structure/function; Has not been previously published as pathogenic or benign to our knowledge